The following is an entry in ClinVar:

ClinVar aggregate classification (germline): Uncertain significance (1 of 4 stars; one submission).

Allele frequency attached by ClinVar (database versions not stated): gnomAD 0.00001; gnomAD exomes 0.00001; ExAC 0.00002; TOPMed 0.00002.
gnomAD v4.1: 14 of 1,613,966 alleles (0.00087%); highest among the groups gnomAD compares: South Asian, 0.011%; no homozygotes.

Submission:

Labcorp Genetics (formerly Invitae), Labcorp
Classification: Uncertain significance. Last evaluated: 2024-06-03. Review status: criteria provided, single submitter. Criteria: Invitae Variant Classification Sherloc (09022015). Collection method: clinical testing. Allele origin: germline.
Comment: This sequence change replaces isoleucine, which is neutral and non-polar, with threonine, which is neutral and polar, at codon 458 of the TOPORS protein (p.Ile458Thr). This variant is present in population databases (rs770678902, gnomAD 0.01%). This variant has not been reported in the literature in individuals affected with TOPORS-related conditions. An algorithm developed to predict the effect of missense changes on protein structure and function (PolyPhen-2) suggests that this variant is likely to be tolerated. In summary, the available evidence is currently insufficient to determine the role of this variant in disease. Therefore, it has been classified as a Variant of Uncertain Significance.

NM_005802.5(TOPORS):c.1373T>C (p.Ile458Thr)

Gene: TOPORS (TOP1 binding arginine/serine rich protein, E3 ubiquitin ligase; minus strand). Cytogenetic location: 9p21.1.
Variant type: single nucleotide variant.
Coding change: c.1373T>C on transcript NM_005802.5 (MANE Select); coding-DNA position 1373, T replaced by C.
Protein change: p.Ile458Thr; replaces isoleucine 458 with threonine.
Molecular consequence: missense variant.
Genome position (GRCh38, 1-based): chr9:32,543,152, A>G on the plus strand (T>C on the coding strand, the complement: TOPORS is on the minus strand). VCF-style: chr9-32543152-A-G. GRCh37 (hg19) VCF-style: chr9-32543150-A-G.
Other names: c.1178T>C, p.Ile393Thr (NM_001195622.2); short protein forms I393T, I458T.
Identifiers: ClinVar variation 2873428 (VCV002873428.3), dbSNP rs770678902, ClinGen allele CA5020531.